The following is an entry in ClinVar:

ClinVar aggregate classification (germline): Uncertain significance. Review status: criteria provided, multiple submitters, no conflicts (2 of 4 stars). 2 submissions from 2 submitters: Uncertain significance (2). Last evaluated 2026-01-22.

Conditions:
SIM1-related disorder. Also called: SIM1-related disorders; SIM1-related condition.

gnomAD v4.1: 8 of 1,614,050 alleles (0.0005%); highest among the groups gnomAD compares: Admixed American, 0.0033%; no homozygotes.

Submissions (2):

Labcorp Genetics (formerly Invitae), Labcorp
Classification: Uncertain significance. Last evaluated: 2026-01-22. Review status: criteria provided, single submitter. Criteria: Invitae Variant Classification Sherloc (09022015). Collection method: clinical testing. Allele origin: germline.
Comment: This sequence change replaces serine, which is neutral and polar, with tryptophan, which is neutral and slightly polar, at codon 680 of the SIM1 protein (p.Ser680Trp). This variant is present in population databases (rs149142065, gnomAD 0.007%). This variant has not been reported in the literature in individuals affected with SIM1-related conditions. An algorithm developed to predict the effect of missense changes on protein structure and function (PolyPhen-2) suggests that this variant is likely to be tolerated. In summary, the available evidence is currently insufficient to determine the role of this variant in disease. Therefore, it has been classified as a Variant of Uncertain Significance.

PreventionGenetics, part of Exact Sciences
Classification: Uncertain significance for SIM1-related condition. Last evaluated: 2025-02-17. Review status: criteria provided, single submitter. Criteria: ACMG Guidelines, 2015. Collection method: clinical testing. Allele origin: germline.
Comment: The SIM1 c.2039C>G variant is predicted to result in the amino acid substitution p.Ser680Trp. To our knowledge, this variant has not been reported in the literature. This variant is reported in 0.0062% of alleles in individuals of African descent in gnomAD. At this time, the clinical significance of this variant is uncertain due to the absence of conclusive functional and genetic evidence.

NM_005068.3(SIM1):c.2039C>G (p.Ser680Trp)

Gene: SIM1 (SIM bHLH transcription factor 1; minus strand). Cytogenetic location: 6q16.3.
Variant type: single nucleotide variant.
Coding change: c.2039C>G on transcript NM_005068.3 (MANE Select); coding-DNA position 2039, C replaced by G.
Protein change: p.Ser680Trp; replaces serine 680 with tryptophan.
Molecular consequence: missense variant.
Genome position (GRCh38, 1-based): chr6:100,390,623, G>C on the plus strand (C>G on the coding strand, the complement: SIM1 is on the minus strand). VCF-style: chr6-100390623-G-C. GRCh37 (hg19) VCF-style: chr6-100838499-G-C.
Other names: c.2039C>G, p.Ser680Trp (NM_001374769.1); c.2039C>G (NM_005068.2); short protein forms S680W.
Identifiers: ClinVar variation 4753389 (VCV004753389.2).